The following is an entry in ClinVar:

NM_000551.4(VHL):c.340+6G>A

Gene: VHL (von Hippel-Lindau tumor suppressor; plus strand). Cytogenetic location: 3p25.3.
Variant type: single nucleotide variant.
Coding change: c.340+6G>A on transcript NM_000551.4 (MANE Select); 6 bases into the intron after coding-DNA position 340, G replaced by A.
Molecular consequence: intron variant.
Genome position (GRCh38, 1-based): chr3:10,142,193, G>A. VCF-style: chr3-10142193-G-A. GRCh37 (hg19) VCF-style: chr3-10183877-G-A.
Other names: c.340+6G>A (NM_001354723.2, NM_198156.3).
Identifiers: ClinVar variation 638841 (VCV000638841.9), dbSNP rs1278726013, ClinGen allele CA915941840.

ClinVar aggregate classification (germline): Uncertain significance (1 of 4 stars; one submission).

Conditions:
Von Hippel-Lindau syndrome (VHLS). Also called: Von Hippel-Lindau; VHL syndrome; von Hippel–Lindau syndrome. Identifiers: Orphanet 892, MedGen C0019562, MONDO:0008667, OMIM 193300. Disease mechanism: loss of function.
Chuvash polycythemia. Also called: POLYCYTHEMIA, VHL-DEPENDENT. Identifiers: Orphanet 238557, MedGen C1837915, MONDO:0009892, OMIM 263400.

Submission:

Labcorp Genetics (formerly Invitae), Labcorp
Classification: Uncertain significance for Von Hippel-Lindau syndrome; Chuvash polycythemia. Last evaluated: 2024-02-19. Review status: criteria provided, single submitter. Criteria: Invitae Variant Classification Sherloc (09022015). Collection method: clinical testing. Allele origin: germline.
Comment: This sequence change falls in intron 1 of the VHL gene. It does not directly change the encoded amino acid sequence of the VHL protein. It affects a nucleotide within the consensus splice site. This variant is not present in population databases (gnomAD no frequency). This variant has not been reported in the literature in individuals affected with VHL-related conditions. ClinVar contains an entry for this variant (Variation ID: 638841). Variants that disrupt the consensus splice site are a relatively common cause of aberrant splicing (PMID: 17576681, 9536098). Algorithms developed to predict the effect of sequence changes on RNA splicing suggest that this variant is not likely to affect RNA splicing. In summary, the available evidence is currently insufficient to determine the role of this variant in disease. Therefore, it has been classified as a Variant of Uncertain Significance.

Literature cited by the submitters: PubMed 17576681; PubMed 9536098.